The following is an entry in ClinVar:

ClinVar aggregate classification (germline): Uncertain significance (1 of 4 stars; one submission).

Submission:

GeneDx
Classification: Uncertain significance. Last evaluated: 2026-10-03. Review status: criteria provided, single submitter. Criteria: GeneDx Variant Classification Process June 2021. Collection method: clinical testing. Allele origin: germline.
Comment: Not observed at significant frequency in large population cohorts (gnomAD); In silico analysis suggests that this missense variant does not alter protein structure/function; Has not been previously published as pathogenic or benign to our knowledge

NM_001429.4(EP300):c.6577C>G (p.Gln2193Glu)

Gene: EP300 (EP300 lysine acetyltransferase; plus strand). Cytogenetic location: 22q13.2.
Variant type: single nucleotide variant.
Coding change: c.6577C>G on transcript NM_001429.4 (MANE Select); coding-DNA position 6577, C replaced by G.
Protein change: p.Gln2193Glu; replaces glutamine 2193 with glutamic acid.
Molecular consequence: missense variant.
Genome position (GRCh38, 1-based): chr22:41,178,288, C>G. VCF-style: chr22-41178288-C-G. GRCh37 (hg19) VCF-style: chr22-41574292-C-G.
Other names: c.6499C>G, p.Gln2167Glu (NM_001362843.2); short protein forms Q2193E, Q2167E.
Identifiers: ClinVar variation 2136098 (VCV002136098.2), dbSNP rs2145521338, ClinGen allele CA411682284.
Genomic context (GRCh38, chr22:41,178,288, plus strand): 5'-AACACCATGCCTTCACAATTCCGAGACATCTTGAGACGACAGCAAATGATGCAACAGCAG[C>G]AGCAACAGGGAGCAGGGCCAGGAATAGGCCCTGGAATGGCCAACCATAACCAGTTCCAGC-3'
Protein context (NP_001420.2, residues 2183-2203): LRRQQMMQQQ[Gln2193Glu]QQGAGPGIGP